The following is an entry in ClinVar:

ClinVar aggregate classification (germline): Uncertain significance (1 of 4 stars; one submission).

Conditions:
Hereditary cancer-predisposing syndrome. Also called: Tumor predisposition; Neoplastic Syndromes, Hereditary; Hereditary Cancer Syndrome; Hereditary neoplastic syndrome. Identifiers: Orphanet 140162, MedGen C0027672, MeSH D009386, MONDO:0015356.

Submission:

Ambry Genetics
Classification: Uncertain significance for Hereditary cancer-predisposing syndrome. Last evaluated: 2024-07-29. Review status: criteria provided, single submitter. Criteria: Ambry Variant Classification Scheme 2023. Collection method: clinical testing. Allele origin: germline.
Comment: The p.D148A variant (also known as c.443A>C), located in coding exon 5 of the BMPR1A gene, results from an A to C substitution at nucleotide position 443. The aspartic acid at codon 148 is replaced by alanine, an amino acid with dissimilar properties. This amino acid position is conserved. In addition, the in silico prediction for this alteration is inconclusive. Based on the available evidence, the clinical significance of this variant remains unclear.

NM_004329.3(BMPR1A):c.443A>C (p.Asp148Ala)

Gene: BMPR1A (bone morphogenetic protein receptor type 1A; plus strand). Cytogenetic location: 10q23.2.
Variant type: single nucleotide variant.
Coding change: c.443A>C on transcript NM_004329.3 (MANE Select); coding-DNA position 443, A replaced by C.
Protein change: p.Asp148Ala; replaces aspartic acid 148 with alanine.
Molecular consequence: missense variant. On other transcripts: non-coding transcript variant (3), intron variant (1).
Genome position (GRCh38, 1-based): chr10:86,900,039, A>C. VCF-style: chr10-86900039-A-C. GRCh37 (hg19) VCF-style: chr10-88659796-A-C.
Other names: c.443A>C, p.Asp148Ala (NM_001406559.1, NM_001406560.1, NM_001406561.1 and 22 more transcripts); c.359A>C, p.Asp120Ala (NM_001406584.1, NM_001406585.1, NM_001406586.1 and 2 more transcripts); c.333+7810A>C (NM_001406589.1); short protein forms D120A, D148A.
Identifiers: ClinVar variation 3481219 (VCV003481219.1).
Genomic context (GRCh38, chr10:86,900,039, plus strand): 5'-GATTATTTTTTCATTTCAATTGTTTACATTGTTTACTTTTATTGTCAGGTCCGTTTTTTG[A>C]TGGCAGCATTCGATGGCTGGTTTTGCTCATTTCTATGGCTGTCTGCATAATTGCTATGAT-3'
Protein context (NP_004320.2, residues 138-158): LPPVVIGPFF[Asp148Ala]GSIRWLVLLI